The following is an entry in ClinVar:

ClinVar aggregate classification (germline): Benign/Likely benign. Review status: criteria provided, multiple submitters, no conflicts (2 of 4 stars). 7 submissions from 6 submitters: Benign (5); Likely benign (2). Last evaluated 2026-07-01.

Conditions:
Baraitser-Winter syndrome 1 (BRWS1). Also called: BARAITSER-WINTER SYNDROME 1, ATYPICAL; PACHYGYRIA, MENTAL RETARDATION, EPILEPSY, AND CHARACTERISTIC FACIES; MENTAL RETARDATION WITH EPILEPSY AND CHARACTERISTIC FACIES; Cerebrofrontofacial syndrome. Identifiers: Orphanet 2649, Orphanet 2995, MedGen C1855722, MONDO:0009470, OMIM 243310.
Developmental malformations-deafness-dystonia syndrome (DDS1). Identifiers: Orphanet 79107, MedGen C5848323, MONDO:0011823, OMIM 607371.

Allele frequency attached by ClinVar (database versions not stated): TOPMed 0.00068; ExAC 0.00081; 1000 Genomes Project 30x 0.00016; gnomAD 0.00019 and 0.00021; 1000 Genomes Project 0.00020.
gnomAD v4.1: 395 of 1,612,224 alleles (0.025%); highest among the groups gnomAD compares: Admixed American, 0.63%; 1 homozygote.

Submissions (7):

CeGaT Center for Human Genetics Tuebingen
Classification: Likely benign. Last evaluated: 2026-07-01. Review status: criteria provided, single submitter. Criteria: CeGaT Center For Human Genetics Tuebingen Variant Classification Criteria Version 2. Collection method: clinical testing. Allele origin: germline. Affected: yes. Observed: 3 variant alleles.
Comment: ACTB: BP4, BP7, BS1

Labcorp Genetics (formerly Invitae), Labcorp
Classification: Benign for Baraitser-Winter syndrome 1. Last evaluated: 2026-02-03. Review status: criteria provided, single submitter. Criteria: Invitae Variant Classification Sherloc (09022015). Collection method: clinical testing. Allele origin: germline.

Blueprint Genetics
Classification: Likely benign. Last evaluated: 2024-08-16. Review status: criteria provided, single submitter. Criteria: ACMG Guidelines, 2015. Collection method: clinical testing. Allele origin: germline.

Genome-Nilou Lab
Classification: Benign for Baraitser-Winter syndrome 1. Last evaluated: 2021-12-05. Review status: criteria provided, single submitter. Criteria: ACMG Guidelines, 2015. Collection method: clinical testing. Allele origin: germline. Affected: no.

Genome-Nilou Lab
Classification: Benign for Developmental malformations-deafness-dystonia syndrome. Last evaluated: 2021-12-05. Review status: criteria provided, single submitter. Criteria: ACMG Guidelines, 2015. Collection method: clinical testing. Allele origin: germline. Affected: no.

GeneDx
Classification: Benign. Last evaluated: 2018-10-29. Review status: criteria provided, single submitter. Criteria: GeneDx Variant Classification Process June 2021. Collection method: clinical testing. Allele origin: germline. Affected: yes.

Athena Diagnostics
Classification: Benign. Last evaluated: 2018-08-30. Review status: criteria provided, single submitter. Criteria: Athena Diagnostics Criteria. Collection method: clinical testing. Allele origin: germline.

NM_001101.5(ACTB):c.1044G>A (p.Ser348=)

Gene: ACTB (actin beta; minus strand). Cytogenetic location: 7p22.1.
Variant type: single nucleotide variant.
Coding change: c.1044G>A on transcript NM_001101.5 (MANE Select); coding-DNA position 1044, G replaced by A.
Protein change: p.Ser348=; no amino-acid change (serine 348 retained).
Molecular consequence: synonymous variant.
Genome position (GRCh38, 1-based): chr7:5,527,832, C>T on the plus strand (G>A on the coding strand, the complement: ACTB is on the minus strand). VCF-style: chr7-5527832-C-T. GRCh37 (hg19) VCF-style: chr7-5567463-C-T.
Other names: c.1044G>A (LRG_132t1).
Identifiers: ClinVar variation 381956 (VCV000381956.24), dbSNP rs13447409, ClinGen allele CA4146844.